The following is an entry in ClinVar:

ClinVar aggregate classification (germline): Uncertain significance (1 of 4 stars; one submission).

Submission:

GeneDx
Classification: Uncertain significance. Last evaluated: 2023-07-18. Review status: criteria provided, single submitter. Criteria: GeneDx Variant Classification Process June 2021. Collection method: clinical testing. Allele origin: germline. Affected: yes.
Comment: Not observed at significant frequency in large population cohorts (gnomAD); In silico analysis supports that this missense variant has a deleterious effect on protein structure/function; In silico analysis suggests this variant may impact gene splicing. In the absence of RNA/functional studies, the actual effect of this sequence change is unknown.; Has not been previously published as pathogenic or benign to our knowledge

NM_198503.5(KCNT2):c.2495G>T (p.Ser832Ile)

Gene: KCNT2 (potassium sodium-activated channel subfamily T member 2; minus strand). Cytogenetic location: 1q31.3.
Variant type: single nucleotide variant.
Coding change: c.2495G>T on transcript NM_198503.5 (MANE Select); coding-DNA position 2495, G replaced by T.
Protein change: p.Ser832Ile; replaces serine 832 with isoleucine.
Molecular consequence: missense variant. On other transcripts: non-coding transcript variant (2).
Genome position (GRCh38, 1-based): chr1:196,305,334, C>A on the plus strand (G>T on the coding strand, the complement: KCNT2 is on the minus strand). VCF-style: chr1-196305334-C-A. GRCh37 (hg19) VCF-style: chr1-196274464-C-A.
Other names: c.2423G>T, p.Ser808Ile (NM_001287819.3); c.2273G>T, p.Ser758Ile (NM_001287820.3); short protein forms S758I, S808I, S832I.
Identifiers: ClinVar variation 3361333 (VCV003361333.1).
Genomic context (GRCh38, chr1:196,305,334, plus strand): 5'-GCTCTGAATTGCATGAATCTCATGTTGGCGGGGTGAGTTAGCTCTGTGATAATACTGAGA[C>A]TGGAAAACAACCTACATTTCAAAAGAACATTTGCATTACACTAACAATCCAATATGGTAT-3'
Protein context (NP_940905.2, residues 822-842): NVQTLFRLFS[Ser832Ile]LSIITELTHP